The following is an entry in ClinVar:

ClinVar aggregate classification (germline): Benign. Review status: criteria provided, single submitter (1 of 4 stars). 2 submissions from 2 submitters: Benign (1). 1 of the submissions does not count toward it. Last evaluated 2025-09-18.

Conditions:
COL13A1-related disorder. Also called: COL13A1-related condition.

Allele frequency attached by ClinVar (database versions not stated): gnomAD 0.00001 and 0.00009; TOPMed 0.00004; 1000 Genomes Project 30x 0.00016; gnomAD exomes 0.00024 and 0.00047; ExAC 0.00127.
gnomAD v4.1: 345 of 1,549,408 alleles (0.022%); highest among the groups gnomAD compares: South Asian, 0.36%; 1 homozygote.

Submissions (2):

Labcorp Genetics (formerly Invitae), Labcorp
Classification: Benign. Last evaluated: 2025-09-18. Review status: criteria provided, single submitter. Criteria: Invitae Variant Classification Sherloc (09022015). Collection method: clinical testing. Allele origin: germline.

PreventionGenetics, part of Exact Sciences
Classification: Likely benign for COL13A1-related condition. Last evaluated: 2019-11-04. Review status: no assertion criteria provided. Collection method: clinical testing. Allele origin: germline. Not counted in ClinVar's aggregate classification.
Comment: This variant is classified as likely benign based on ACMG/AMP sequence variant interpretation guidelines (Richards et al. 2015 PMID: 25741868, with internal and published modifications).

NM_001368882.1(COL13A1):c.753C>T (p.Gly251=)

Gene: COL13A1 (collagen type XIII alpha 1 chain; plus strand). Cytogenetic location: 10q22.1.
Variant type: single nucleotide variant.
Coding change: c.753C>T on transcript NM_001368882.1 (MANE Select); coding-DNA position 753, C replaced by T.
Protein change: p.Gly251=; no amino-acid change (glycine 251 retained).
Molecular consequence: synonymous variant.
Genome position (GRCh38, 1-based): chr10:69,902,750, C>T. VCF-style: chr10-69902750-C-T. GRCh37 (hg19) VCF-style: chr10-71662506-C-T.
Other names: c.783C>T, p.Gly261= (NM_001130103.2); c.753C>T, p.Gly251= (NM_001320951.2, NM_001368884.1); c.717C>T, p.Gly239= (NM_001368883.1, NM_001368885.1, NM_080801.4 and 1 more transcripts); c.153C>T, p.Gly51= (NM_001368886.1); c.663C>T, p.Gly221= (NM_001368895.1); c.612C>T, p.Gly204= (NM_001368896.1, NM_001368898.1, NM_080798.4); c.639C>T, p.Gly213= (NM_001368897.1); c.726C>T, p.Gly242= (NM_080800.4); and 1 more.
Identifiers: ClinVar variation 739613 (VCV000739613.12), dbSNP rs201604647, ClinGen allele CA5534436.
Genomic context (GRCh38, chr10:69,902,750, plus strand): 5'-GGGGACGGTCTGCAGCTCTGGGGGCCTTCCCTCTAACATTCGTTTCCATGAACCTCAGGG[C>T]GAACAGAGCCAGGCCAGCATCCAAGGTCCACCAGGGCCCCCAGGCCCCCCTGGACCAAGT-3'
Protein context (NP_001355811.1, residues 241-261): PPVIKRRTFQ[Gly251=]EQSQASIQGP